The following is an entry in ClinVar:

NM_031471.6(FERMT3):c.159C>G (p.Ile53Met)

Gene: FERMT3 (FERM domain containing kindlin 3; plus strand). Cytogenetic location: 11q13.1.
Variant type: single nucleotide variant.
Coding change: c.159C>G on transcript NM_031471.6 (MANE Select); coding-DNA position 159, C replaced by G.
Protein change: p.Ile53Met; replaces isoleucine 53 with methionine.
Molecular consequence: missense variant.
Genome position (GRCh38, 1-based): chr11:64,207,523, C>G. VCF-style: chr11-64207523-C-G. GRCh37 (hg19) VCF-style: chr11-63974995-C-G.
Other names: p.Ile53Met; c.159C>G, p.Ile53Met (NM_001382361.1, NM_001382362.1, NM_001382448.1 and 1 more transcripts); short protein forms I53M.
Identifiers: ClinVar variation 195387 (VCV000195387.20), dbSNP rs142815441, ClinGen allele CA201708.

ClinVar aggregate classification (germline): Likely benign. Review status: criteria provided, multiple submitters, no conflicts (2 of 4 stars). 6 submissions from 6 submitters: Likely benign (5). 1 of the submissions does not count toward it. Last evaluated 2026-02-01.

Conditions:
FERMT3-related disorder. Also called: FERMT3-related condition.
Leukocyte adhesion deficiency 3. Also called: Leukocyte adhesion deficiency, type III; INTEGRIN ACTIVATION DEFICIENCY DISEASE; LEUKOCYTE ADHESION DEFICIENCY 1 VARIANT. Identifiers: Orphanet 2968, Orphanet 99844, MedGen C2748536, MONDO:0013016, OMIM 612840.

Allele frequency attached by ClinVar (database versions not stated): 1000 Genomes Project 30x 0.00125; 1000 Genomes Project 0.00140; ExAC 0.00193; gnomAD exomes 0.00193 and 0.00323; gnomAD 0.00225 and 0.00226; TOPMed 0.00227; ESP Exome Variant Server 0.00385.
gnomAD v4.1: 4,990 of 1,602,188 alleles (0.31%); highest among the groups gnomAD compares: Non-Finnish European, 0.39%; 11 homozygotes.

Submissions (6):

Labcorp Genetics (formerly Invitae), Labcorp
Classification: Likely benign for Leukocyte adhesion deficiency 3. Last evaluated: 2026-02-01. Review status: criteria provided, single submitter. Criteria: Invitae Variant Classification Sherloc (09022015). Collection method: clinical testing. Allele origin: germline.

Blueprint Genetics
Classification: Likely benign. Last evaluated: 2024-11-27. Review status: criteria provided, single submitter. Criteria: ACMG Guidelines, 2015. Collection method: clinical testing. Allele origin: germline.

Mayo Clinic Laboratories, Mayo Clinic
Classification: Likely benign. Last evaluated: 2023-10-03. Review status: criteria provided, single submitter. Criteria: ACMG Guidelines, 2015. Collection method: clinical testing. Allele origin: germline. Observed: 4 variant alleles.
Comment: BS1, BS2, BP4, PM1_supporting

Eurofins Ntd Llc (ga)
Classification: Likely benign. Last evaluated: 2015-06-08. Review status: criteria provided, single submitter. Criteria: EGL Classification Definitions 2015. Collection method: clinical testing. Allele origin: germline. Observed: 1 variant allele, 1 heterozygote.

Breakthrough Genomics
Classification: Likely benign. Review status: criteria provided, single submitter. Criteria: ACMG Guidelines, 2015. Collection method: not provided. Allele origin: germline. Inheritance: Autosomal recessive inheritance. Affected: yes.

PreventionGenetics, part of Exact Sciences
Classification: Likely benign for FERMT3-related condition. Last evaluated: 2022-02-17. Review status: no assertion criteria provided. Collection method: clinical testing. Allele origin: germline. Not counted in ClinVar's aggregate classification.
Comment: This variant is classified as likely benign based on ACMG/AMP sequence variant interpretation guidelines (Richards et al. 2015 PMID: 25741868, with internal and published modifications).